The following is an entry in ClinVar:

NM_022168.4(IFIH1):c.659T>C (p.Val220Ala)

Gene: IFIH1 (interferon induced with helicase C domain 1; minus strand). Cytogenetic location: 2q24.2.
Variant type: single nucleotide variant.
Coding change: c.659T>C on transcript NM_022168.4 (MANE Select); coding-DNA position 659, T replaced by C.
Protein change: p.Val220Ala; replaces valine 220 with alanine.
Molecular consequence: missense variant.
Genome position (GRCh38, 1-based): chr2:162,306,819, A>G on the plus strand (T>C on the coding strand, the complement: IFIH1 is on the minus strand). VCF-style: chr2-162306819-A-G. GRCh37 (hg19) VCF-style: chr2-163163329-A-G.
Other names: short protein forms V220A.
Identifiers: ClinVar variation 939129 (VCV000939129.9), dbSNP rs1396124415, ClinGen allele CA349008631.
Genomic context (GRCh38, chr2:162,306,819, plus strand): 5'-ATGCCCCAGACCTCCTTCTCCAGATTTGGCTGAACTGTGGTTGAAAGAAGTTGCTCTTCC[A>G]CTTGAGGACCATCAACTTGTGATAAATTCTCAATCTCTGTGAATAACAGTATTAGAATGC-3'
Protein context (NP_071451.2, residues 210-230): ENLSQVDGPQ[Val220Ala]EEQLLSTTVQ

ClinVar aggregate classification (germline): Uncertain significance (1 of 4 stars; one submission).

Conditions:
Singleton-Merten syndrome 1 (SGMRT1). Also called: Widened medullary cavities of bone, aortic calcification, abnormal dentition, and muscular weakness; Syndrome of widened medullary cavities of the metacarpals and phalanges, aortic calcification and abnormal dentition. Identifiers: Orphanet 85191, MedGen C4225427, MONDO:0024535, OMIM 182250.
Aicardi-Goutieres syndrome 7 (AGS7). Identifiers: Orphanet 51, MedGen C3888244, MONDO:0014367, OMIM 615846.

Allele frequency attached by ClinVar (database versions not stated): gnomAD exomes below 0.00001.
gnomAD v4.1: 1 of 1,613,966 alleles (0.000062%); highest among the groups gnomAD compares: Admixed American, 0.0017%; no homozygotes.

Submission:

Labcorp Genetics (formerly Invitae), Labcorp
Classification: Uncertain significance for Aicardi-Goutieres syndrome 7; Singleton-Merten syndrome 1. Last evaluated: 2024-05-05. Review status: criteria provided, single submitter. Criteria: Invitae Variant Classification Sherloc (09022015). Collection method: clinical testing. Allele origin: germline.
Comment: This sequence change replaces valine, which is neutral and non-polar, with alanine, which is neutral and non-polar, at codon 220 of the IFIH1 protein (p.Val220Ala). This variant is present in population databases (no rsID available, gnomAD 0.003%). This variant has not been reported in the literature in individuals affected with IFIH1-related conditions. ClinVar contains an entry for this variant (Variation ID: 939129). Algorithms developed to predict the effect of missense changes on protein structure and function output the following: SIFT: "Not Available"; PolyPhen-2: "Benign"; Align-GVGD: "Not Available". The alanine amino acid residue is found in multiple mammalian species, which suggests that this missense change does not adversely affect protein function. In summary, the available evidence is currently insufficient to determine the role of this variant in disease. Therefore, it has been classified as a Variant of Uncertain Significance.